The following is an entry in ClinVar:

ClinVar aggregate classification (germline): Uncertain significance (1 of 4 stars; one submission).

Conditions:
POLR1B-related disorder. Also called: POLR1B-related condition.

gnomAD v4.1: 3 of 1,613,632 alleles (0.00019%); highest among the groups gnomAD compares: South Asian, 0.0033%; no homozygotes.

Submission:

PreventionGenetics, part of Exact Sciences
Classification: Uncertain significance for POLR1B-related condition. Last evaluated: 2025-09-18. Review status: criteria provided, single submitter. Criteria: ACMG Guidelines, 2015. Collection method: clinical testing. Allele origin: germline.
Comment: The POLR1B c.892T>A variant is predicted to result in the amino acid substitution p.Ser298Thr. To our knowledge, this variant has not been reported in the literature or in a large population database (gnomAD), indicating this variant is rare. At this time, the clinical significance of this variant is uncertain due to the absence of conclusive functional and genetic evidence.

NM_019014.6(POLR1B):c.778T>A (p.Ser260Thr)

Gene: POLR1B (RNA polymerase I subunit B; plus strand). Cytogenetic location: 2q14.1.
Variant type: single nucleotide variant.
Coding change: c.778T>A on transcript NM_019014.6 (MANE Select); coding-DNA position 778, T replaced by A.
Protein change: p.Ser260Thr; replaces serine 260 with threonine.
Molecular consequence: missense variant.
Genome position (GRCh38, 1-based): chr2:112,551,790, T>A. VCF-style: chr2-112551790-T-A. GRCh37 (hg19) VCF-style: chr2-113309367-T-A.
Other names: c.610T>A, p.Ser204Thr (NM_001137604.3); c.892T>A, p.Ser298Thr (NM_001282772.2); c.778T>A, p.Ser260Thr (NM_001282774.2, NM_001371969.1); c.145T>A, p.Ser49Thr (NM_001282776.2, NM_001371971.1); c.361T>A, p.Ser121Thr (NM_001282777.2, NM_001282779.2, NM_001371970.1); short protein forms S121T, S49T, S260T, S298T, S204T.
Identifiers: ClinVar variation 4983904 (VCV004983904.1).